The following is an entry in ClinVar:

NM_022081.6(HPS4):c.1670C>G (p.Ala557Gly)

Gene: HPS4 (HPS4 biogenesis of lysosomal organelles complex 3 subunit 2; minus strand). Cytogenetic location: 22q12.1.
Variant type: single nucleotide variant.
Coding change: c.1670C>G on transcript NM_022081.6 (MANE Select); coding-DNA position 1670, C replaced by G.
Protein change: p.Ala557Gly; replaces alanine 557 with glycine.
Molecular consequence: missense variant. On other transcripts: non-coding transcript variant (8).
Genome position (GRCh38, 1-based): chr22:26,463,960, G>C on the plus strand (C>G on the coding strand, the complement: HPS4 is on the minus strand). VCF-style: chr22-26463960-G-C. GRCh37 (hg19) VCF-style: chr22-26859926-G-C.
Other names: c.1670C>G, p.Ala557Gly (NM_001349896.1, NM_001349898.2, NM_001349899.2 and 5 more transcripts); c.1724C>G, p.Ala575Gly (NM_001349900.2, NM_001349901.1); c.1655C>G, p.Ala552Gly (NM_152841.2); short protein forms A552G, A557G, A575G.
Identifiers: ClinVar variation 2690890 (VCV002690890.3), dbSNP rs2087885145, ClinGen allele CA411025841.
Genomic context (GRCh38, chr22:26,463,960, plus strand): 5'-GGTCTGAGGACACTCACCACTTCCTCTATGGCTGCGCTGTCTCCCAGCAGCGGCTCCTCA[G>C]CCAGCAGGGACAGCACCAGCCCTTTGACGCAGTGAGTGTAGAGATTCATCCTCACGAGCC-3'
Protein context (NP_071364.4, residues 547-567): CVKGLVLSLL[Ala557Gly]EEPLLGDSAA

ClinVar aggregate classification (germline): Uncertain significance. Review status: criteria provided, multiple submitters, no conflicts (2 of 4 stars). 2 submissions from 2 submitters: Uncertain significance (2). Last evaluated 2025-01-01.

Conditions:
Hermansky-Pudlak syndrome 4 (HPS4). Identifiers: Orphanet 231500, Orphanet 79430, MedGen C3484357, MONDO:0013556, OMIM 614073.

Allele frequency attached by ClinVar (database versions not stated): gnomAD 0.00001.
gnomAD v4.1: 1 of 1,613,972 alleles (0.000062%); highest among the groups gnomAD compares: African/African-American, 0.0013%; no homozygotes.

Submissions (2):

Labcorp Genetics (formerly Invitae), Labcorp
Classification: Uncertain significance. Last evaluated: 2025-01-01. Review status: criteria provided, single submitter. Criteria: Invitae Variant Classification Sherloc (09022015). Collection method: clinical testing. Allele origin: germline.
Comment: This sequence change replaces alanine, which is neutral and non-polar, with glycine, which is neutral and non-polar, at codon 557 of the HPS4 protein (p.Ala557Gly). This variant is not present in population databases (gnomAD no frequency). This variant has not been reported in the literature in individuals affected with HPS4-related conditions. ClinVar contains an entry for this variant (Variation ID: 2690890). An algorithm developed to predict the effect of missense changes on protein structure and function (PolyPhen-2) suggests that this variant is likely to be disruptive. In summary, the available evidence is currently insufficient to determine the role of this variant in disease. Therefore, it has been classified as a Variant of Uncertain Significance.

Johns Hopkins Genomics, Johns Hopkins University
Classification: Uncertain significance for Hermansky-Pudlak syndrome 4. Last evaluated: 2024-01-08. Review status: criteria provided, single submitter. Criteria: ACMG Guidelines, 2015. Collection method: clinical testing. Allele origin: germline.
Comment: This HPS4 missense variant (rs2087885145) is rare (<0.1%) in a large population dataset (gnomAD v4.0.0: 1/152248 total alleles; 0.0007%; no homozygotes). It has not been reported in ClinVar nor in the literature, to our knowledge. Of two bioinformatic tools queried, one predicts that this substitution would be damaging, while the other predicts that it would be tolerated. Though the alanine residue at this position is evolutionarily conserved across many of the species assessed, some species have a different amino acid at this position including one with glycine. We consider the clinical significance of c.1670C>G in HPS4 to be uncertain at this time.